The following is an entry in ClinVar:

ClinVar aggregate classification (germline): Uncertain significance (1 of 4 stars; one submission).

gnomAD v4.1: 3 of 1,613,952 alleles (0.00019%); highest among the groups gnomAD compares: Non-Finnish European, 0.00025%; no homozygotes.

Submission:

Ambry Genetics
Classification: Uncertain significance. Last evaluated: 2024-04-28. Review status: criteria provided, single submitter. Criteria: Ambry Variant Classification Scheme 2023. Collection method: clinical testing. Allele origin: germline.
Comment: The p.E1136Q variant (also known as c.3406G>C), located in coding exon 3 of the MLH3 gene, results from a G to C substitution at nucleotide position 3406. The glutamic acid at codon 1136 is replaced by glutamine, an amino acid with highly similar properties. This amino acid position is conserved. In addition, this alteration is predicted to be tolerated by in silico analysis. Based on the available evidence, the clinical significance of this variant remains unclear.

NM_001040108.2(MLH3):c.3406G>C (p.Glu1136Gln)

Gene: MLH3 (mutL homolog 3; minus strand). Cytogenetic location: 14q24.3.
Variant type: single nucleotide variant.
Coding change: c.3406G>C on transcript NM_001040108.2 (MANE Select); coding-DNA position 3406, G replaced by C.
Protein change: p.Glu1136Gln; replaces glutamic acid 1136 with glutamine.
Molecular consequence: missense variant.
Genome position (GRCh38, 1-based): chr14:75,041,674, C>G on the plus strand (G>C on the coding strand, the complement: MLH3 is on the minus strand). VCF-style: chr14-75041674-C-G. GRCh37 (hg19) VCF-style: chr14-75508377-C-G.
Other names: c.3406G>C, p.Glu1136Gln (NM_014381.3); short protein forms E1136Q.
Identifiers: ClinVar variation 3256603 (VCV003256603.1).